The following is an entry in ClinVar:

NM_000535.7(PMS2):c.736_740del (p.Leu245_Pro246insTer)

Gene: PMS2 (PMS1 homolog 2, mismatch repair system component; minus strand). Cytogenetic location: 7p22.1.
Variant type: Deletion.
Coding change: c.736_740del on transcript NM_000535.7 (MANE Select); coding-DNA positions 736 to 740, 5 bases deleted (CCCCC; older notation c.736_740delCCCCC).
Protein change: p.Leu245_Pro246insTer.
Molecular consequence: nonsense. On other transcripts: 5 prime UTR variant (2), non-coding transcript variant (1).
Genome position (GRCh38, 1-based): chr7:5,997,389-5,997,393, GGGGG deleted on the plus strand (CCCCC on the coding strand, the reverse complement: PMS2 is on the minus strand). VCF-style (leftmost placement, unchanged base first): chr7-5997388-AGGGGG-A. GRCh37 (hg19) VCF-style: chr7-6037019-AGGGGG-A.
Other names: c.736_740delCCCCC (NM_001322014.2); c.331_335del, p.Leu110_Pro111insTer (NM_001322003.2, NM_001322004.2, NM_001322005.2 and 2 more transcripts); c.736_740del, p.Leu245_Pro246insTer (NM_001322006.2, NM_001322014.2); c.418_422del, p.Leu139_Pro140insTer (NM_001322007.2, NM_001322008.2); c.-198_-194del (NM_001322011.2, NM_001322012.2); c.163_167del, p.Leu54_Pro55insTer (NM_001322013.2); c.427_431del, p.Leu142_Pro143insTer (NM_001322015.2).
Identifiers: ClinVar variation 1323475 (VCV001323475.11), dbSNP rs778352959, ClinGen allele CA4150126.

ClinVar aggregate classification (germline): Conflicting classifications of pathogenicity. Review status: criteria provided, conflicting classifications (1 of 4 stars). 5 submissions from 5 submitters: Pathogenic (2); Uncertain significance (1). 2 of the submissions do not count toward it. Last evaluated 2026-05-11.

Conditions:
PMS2-related disorder. Also called: PMS2-related condition.
Inherited MMR deficiency (Lynch syndrome).
Hereditary cancer-predisposing syndrome. Also called: Hereditary Cancer Syndrome; Neoplastic Syndromes, Hereditary; Tumor predisposition; Hereditary neoplastic syndrome. Identifiers: Orphanet 140162, MedGen C0027672, MeSH D009386, MONDO:0015356.

Allele frequency attached by ClinVar (database versions not stated): gnomAD exomes 0.00001 and 0.00006; ExAC 0.00004; gnomAD 0.00005 and 0.00006.

Submissions (5):

Genetics Laboratory, Great Ormond Street Hospital NHS Foundation Trust, North Thames Genomic Laboratory Hub
Classification: Uncertain significance for Inherited MMR deficiency (Lynch syndrome). Last evaluated: 2026-05-11. Review status: criteria provided, single submitter. Criteria: CanVIG MMR Gene Specific V1.7. Collection method: clinical testing. Allele origin: germline. Affected: yes.
Comment: PVS1_very-strong

Blueprint Genetics
Classification: Pathogenic for PMS2-related disorders. Last evaluated: 2024-08-13. Review status: criteria provided, single submitter. Criteria: ACMG Guidelines, 2015. Collection method: clinical testing. Allele origin: germline. Affected: yes. Observed: 5 variant alleles.

Institute for Biomarker Research, Medical Diagnostic Laboratories, L.L.C.
Classification: Pathogenic for Hereditary cancer-predisposing syndrome. Last evaluated: 2022-06-15. Review status: criteria provided, single submitter. Criteria: ACMG Guidelines, 2015. Collection method: clinical testing. Allele origin: germline.

Diagnostic Laboratory, Department of Genetics, University Medical Center Groningen
Classification: Pathogenic. Review status: no assertion criteria provided. Collection method: clinical testing. Allele origin: germline. Affected: yes. Study: VKGL Data-share Consensus. Not counted in ClinVar's aggregate classification.

Laboratory of Diagnostic Genome Analysis, Leiden University Medical Center (LUMC)
Classification: Pathogenic. Review status: no assertion criteria provided. Collection method: clinical testing. Allele origin: germline. Affected: yes. Study: VKGL Data-share Consensus. Not counted in ClinVar's aggregate classification.